The following is an entry in ClinVar:

ClinVar aggregate classification (germline): Pathogenic (1 of 4 stars; one submission).

Conditions:
GNPTAB-mucolipidosis. Also called: UDP-N-acetylglucosamine-1-phosphotransferase subunit alpha/beta deficiency. Identifiers: MedGen CN322573, MONDO:0100122.

Submission:

Myriad Genetics, Inc.
Classification: Pathogenic for GNPTAB-mucolipidosis. Last evaluated: 2025-07-21. Review status: criteria provided, single submitter. Criteria: Myriad Autosomal Dominant, Autosomal Recessive and X-Linked Classification Criteria (2023). Collection method: clinical testing. Allele origin: unknown.
Comment: NM_024312.4(GNPTAB):c.2664C>A(Y888*) is expected to be pathogenic in the context of GNPTAB-related disorders. This variant is predicted to lead to an abnormal or absent protein product due to the creation of a premature termination codon in GNPTAB, a gene where loss-of-function variants are known to be pathogenic. Please note: this variant was assessed in the context of healthy population screening.

NM_024312.5(GNPTAB):c.2664C>A (p.Tyr888Ter)

Gene: GNPTAB (N-acetylglucosamine-1-phosphate transferase subunits alpha and beta; minus strand). Cytogenetic location: 12q23.2.
Variant type: single nucleotide variant.
Coding change: c.2664C>A on transcript NM_024312.5 (MANE Select); coding-DNA position 2664, C replaced by A.
Protein change: p.Tyr888Ter; replaces tyrosine 888 with a stop codon.
Molecular consequence: nonsense.
Genome position (GRCh38, 1-based): chr12:101,764,253, G>T on the plus strand (C>A on the coding strand, the complement: GNPTAB is on the minus strand). VCF-style: chr12-101764253-G-T. GRCh37 (hg19) VCF-style: chr12-102158031-G-T.
Other names: short protein forms Y888*.
Identifiers: ClinVar variation 5014756 (VCV005014756.1).